The following is an entry in ClinVar:

NM_001039876.3(SYNE4):c.812T>C (p.Val271Ala)

Gene: SYNE4 (spectrin repeat containing nuclear envelope family member 4; minus strand). Cytogenetic location: 19q13.12.
Variant type: single nucleotide variant.
Coding change: c.812T>C on transcript NM_001039876.3 (MANE Select); coding-DNA position 812, T replaced by C.
Protein change: p.Val271Ala; replaces valine 271 with alanine.
Molecular consequence: missense variant.
Genome position (GRCh38, 1-based): chr19:36,006,478, A>G on the plus strand (T>C on the coding strand, the complement: SYNE4 is on the minus strand). VCF-style: chr19-36006478-A-G. GRCh37 (hg19) VCF-style: chr19-36497380-A-G.
Other names: c.473T>C, p.Val158Ala (NM_001297735.3); c.812T>C (NM_001039876.2); short protein forms V158A, V271A.
Identifiers: ClinVar variation 2385081 (VCV002385081.3), dbSNP rs778349561, ClinGen allele CA9393849.

ClinVar aggregate classification (germline): Conflicting classifications of pathogenicity. Review status: criteria provided, conflicting classifications (1 of 4 stars). 2 submissions from 2 submitters: Uncertain significance (1); Likely benign (1). Last evaluated 2026-06-08.

Conditions:
SYNE4-related disorder. Also called: SYNE4-related condition.

Submissions (2):

PreventionGenetics, part of Exact Sciences
Classification: Uncertain significance for SYNE4-related condition. Last evaluated: 2026-06-08. Review status: criteria provided, single submitter. Criteria: ACMG Guidelines, 2015. Collection method: clinical testing. Allele origin: germline.
Comment: The SYNE4 c.812T>C variant is predicted to result in the amino acid substitution p.Val271Ala. To our knowledge, this variant has not been reported in the literature. This variant is reported in 0.0088% of alleles in individuals of Latino descent in gnomAD. At this time, the clinical significance of this variant is uncertain due to the absence of conclusive functional and genetic evidence.

Ambry Genetics
Classification: Likely benign. Last evaluated: 2021-09-16. Review status: criteria provided, single submitter. Criteria: Ambry Variant Classification Scheme 2023. Collection method: clinical testing. Allele origin: germline.